The following is an entry in ClinVar:

ClinVar aggregate classification (germline): Uncertain significance (1 of 4 stars; one submission).

Conditions:
Epilepsy, progressive myoclonic, 1B. Also called: PME. Identifiers: Orphanet 308, MedGen C2676254, MONDO:0012904, OMIM 612437.

Allele frequency attached by ClinVar (database versions not stated): TOPMed below 0.00001; gnomAD 0.00001; gnomAD exomes 0.00001.
gnomAD v4.1: 4 of 1,614,000 alleles (0.00025%); highest among the groups gnomAD compares: South Asian, 0.0044%; no homozygotes.

Submission:

Labcorp Genetics (formerly Invitae), Labcorp
Classification: Uncertain significance for Epilepsy, progressive myoclonic, 1B. Last evaluated: 2022-02-04. Review status: criteria provided, single submitter. Criteria: Invitae Variant Classification Sherloc (09022015). Collection method: clinical testing. Allele origin: germline.
Comment: In summary, the available evidence is currently insufficient to determine the role of this variant in disease. Therefore, it has been classified as a Variant of Uncertain Significance. This sequence change replaces arginine, which is basic and polar, with glycine, which is neutral and non-polar, at codon 620 of the PRICKLE1 protein (p.Arg620Gly). This variant is not present in population databases (gnomAD no frequency). This variant has not been reported in the literature in individuals affected with PRICKLE1-related conditions. Algorithms developed to predict the effect of missense changes on protein structure and function (SIFT, PolyPhen-2, Align-GVGD) all suggest that this variant is likely to be disruptive.

NM_153026.3(PRICKLE1):c.1858A>G (p.Arg620Gly)

Gene: PRICKLE1 (prickle planar cell polarity protein 1; minus strand). Cytogenetic location: 12q12.
Variant type: single nucleotide variant.
Coding change: c.1858A>G on transcript NM_153026.3 (MANE Select); coding-DNA position 1858, A replaced by G.
Protein change: p.Arg620Gly; replaces arginine 620 with glycine.
Molecular consequence: missense variant.
Genome position (GRCh38, 1-based): chr12:42,460,447, T>C on the plus strand (A>G on the coding strand, the complement: PRICKLE1 is on the minus strand). VCF-style: chr12-42460447-T-C. GRCh37 (hg19) VCF-style: chr12-42854249-T-C.
Other names: c.1858A>G, p.Arg620Gly (NM_001144881.2, NM_001144882.2, NM_001144883.2); short protein forms R620G.
Identifiers: ClinVar variation 2187511 (VCV002187511.4), dbSNP rs1937781224, ClinGen allele CA384440737.